The following is an entry in ClinVar:

NM_000057.4(BLM):c.4230_4231insTTTTTTTTTTTTTTTTTTNNNNNNNNNNCGGCACCTCGGGAGGCCGAGGCTGGCAGATCACTCGCGGTTAGGAGCTGGAGACCAGCCCGGCCAACACAGCGAAACACCGTCTCCACCAAAAAAATAAATAGACCGTTTCTT (p.Leu1410_Lys1411insPhePhePhePhePhePheXaaXaaXaaXaaAlaProArgGluAlaGluAlaGlyArgSerLeuAlaValArgSerTrpArgProAlaArgProThrGlnArgAsnThrValSerThrLysLysIleAsnArgProPheLeu)

Gene: BLM (BLM RecQ like helicase; plus strand). Cytogenetic location: 15q26.1.
Variant type: Insertion.
Coding change: c.4230_4231insTTTTTTTTTTTTTTTTTTNNNNNNNNNNCGGCACCTCGGGAGGCCGAGGCTGGCAGATCACTCGCGGTTAGGAGCTGGAGACCAGCCCGGCCAACACAGCGAAACACCGTCTCCACCAAAAAAATAAATAGACCGTTTCTT on transcript NM_000057.4 (MANE Select); coding-DNA positions 4230 to 4231, TTTTTTTTTTTTTTTTTTNNNNNNNNNNCGGCACCTCGGGAGGCCGAGGCTGGCAGATCACTCGCGGTTAGGAGCTGGAGACCAGCCCGGCCAACACAGCGAAACACCGTCTCCACCAAAAAAATAAATAGACCGTTTCTT inserted.
Protein change: p.Leu1410_Lys1411insPhePhePhePhePhePheXaaXaaXaaXaaAlaProArgGluAlaGluAlaGlyArgSerLeuAlaValArgSerTrpArgProAlaArgProThrGlnArgAsnThrValSerThrLysLysIleAsnArgProPheLeu.
Molecular consequence: inframe insertion.
Genome position: GRCh38: chr15:90,815,255-90,815,256. GRCh37 (hg19): chr15:91,358,485-91,358,486.
Other names: c.4230_4231insTTTTTTTTTTTTTTTTTTNNNNNNNNNNCGGCACCTCGGGAGGCCGAGGCTGGCAGATCACTCGCGGTTAGGAGCTGGAGACCAGCCCGGCCAACACAGCGAAACACCGTCTCCACCAAAAAAATAAATAGACCGTTTCTT, p.Leu1410_Lys1411insPhePhePhePhePhePheXaaXaaXaaXaaAlaProArgGluAlaGluAlaGlyArgSerLeuAlaValArgSerTrpArgProAlaArgProThrGlnArgAsnThrValSerThrLysLysIleAsnArgProPheLeu (NM_001287246.2); c.3837_3838insTTTTTTTTTTTTTTTTTTNNNNNNNNNNCGGCACCTCGGGAGGCCGAGGCTGGCAGATCACTCGCGGTTAGGAGCTGGAGACCAGCCCGGCCAACACAGCGAAACACCGTCTCCACCAAAAAAATAAATAGACCGTTTCTT, p.Leu1279_Lys1280insPhePhePhePhePhePheXaaXaaXaaXaaAlaProArgGluAlaGluAlaGlyArgSerLeuAlaValArgSerTrpArgProAlaArgProThrGlnArgAsnThrValSerThrLysLysIleAsnArgProPheLeu (NM_001287247.2); c.3105_3106insTTTTTTTTTTTTTTTTTTNNNNNNNNNNCGGCACCTCGGGAGGCCGAGGCTGGCAGATCACTCGCGGTTAGGAGCTGGAGACCAGCCCGGCCAACACAGCGAAACACCGTCTCCACCAAAAAAATAAATAGACCGTTTCTT, p.Leu1035_Lys1036insPhePhePhePhePhePheXaaXaaXaaXaaAlaProArgGluAlaGluAlaGlyArgSerLeuAlaValArgSerTrpArgProAlaArgProThrGlnArgAsnThrValSerThrLysLysIleAsnArgProPheLeu (NM_001287248.2).
Identifiers: ClinVar variation 1944816 (VCV001944816.2), dbSNP rs2505575837.

ClinVar aggregate classification (germline): Uncertain significance (1 of 4 stars; one submission).

Conditions:
Bloom syndrome (BLM). Also called: Bloom-Torre-Machacek syndrome. Identifiers: Orphanet 125, MedGen C0005859, MONDO:0008876, OMIM 210900.

Submission:

Labcorp Genetics (formerly Invitae), Labcorp
Classification: Uncertain significance for Bloom syndrome. Last evaluated: 2022-06-29. Review status: criteria provided, single submitter. Criteria: Invitae Variant Classification Sherloc (09022015). Collection method: clinical testing. Allele origin: germline.
Comment: This sequence change inserts a large fragment of DNA, likely a transposable element, in exon 22 of the BLM gene (c.4230_4231insTTTTTTTTTTTTTTTTTTNNNNNNNNNNCGGCACCTCGGGAGGCCGAGGCTGGCAGATCACTCGCGGTTAGGAGCTGGAGACCAGCCCGGCCAACACAGCGAAACACCGTCTCCACCAAAAAAATAAATAGACCGTTTCTT), causing a frameshift at codon 1410 (p.Leu1410_Lys1411insPhePhePhePhePhePheXaaXaaXaaXaaAlaProArgGluAlaGluAlaGlyArgSerLeuAlaValArgSerTrpArgProAlaArgProThrGlnArgAsnThrValSerThrLysLysIleAsnArgProPheLeu). The exact size and sequence of the insertion cannot be determined by the current assay. However, the insertion is expected to result in an absent or disrupted protein product. This variant is not present in population databases (gnomAD no frequency). This variant has not been reported in the literature in individuals affected with BLM-related conditions. Algorithms developed to predict the effect of sequence changes on RNA splicing suggest that this variant may create or strengthen a splice site. Retrotransposon insertions including LINE1 (L1), Alu, and SVA (SINE-VNTR-Alu) have been reported to disrupt protein function (PMID: 19763152, 20307669, 22406018). However the effect of this particular variant is unknown. In summary, the available evidence is currently insufficient to determine the role of this variant in disease. Therefore, it has been classified as a Variant of Uncertain Significance.

Literature cited by the submitters: PubMed 19763152; PubMed 20307669; PubMed 22406018.